The following is an entry in ClinVar:

ClinVar aggregate classification (germline): Likely benign. Review status: criteria provided, multiple submitters, no conflicts (2 of 4 stars). 2 submissions from 2 submitters: Likely benign (2). Last evaluated 2024-10-22.

Allele frequency attached by ClinVar (database versions not stated): gnomAD 0.00001; TOPMed 0.00001.
gnomAD v4.1: 15 of 1,614,080 alleles (0.00093%); highest among the groups gnomAD compares: East Asian, 0.0067%; no homozygotes.

Submissions (2):

Blueprint Genetics
Classification: Likely benign. Last evaluated: 2024-10-22. Review status: criteria provided, single submitter. Criteria: ACMG Guidelines, 2015. Collection method: clinical testing. Allele origin: germline.

CeGaT Center for Human Genetics Tuebingen
Classification: Likely benign. Last evaluated: 2022-04-01. Review status: criteria provided, single submitter. Criteria: CeGaT Center For Human Genetics Tuebingen Variant Classification Criteria Version 2. Collection method: clinical testing. Allele origin: germline. Affected: yes. Observed: 1 variant allele.
Comment: ANKRD11: BP4, BP7

NM_013275.6(ANKRD11):c.5283C>T (p.Phe1761=)

Gene: ANKRD11 (ankyrin repeat domain 11; minus strand). Cytogenetic location: 16q24.3.
Variant type: single nucleotide variant.
Coding change: c.5283C>T on transcript NM_013275.6 (MANE Select); coding-DNA position 5283, C replaced by T.
Protein change: p.Phe1761=; no amino-acid change (phenylalanine 1761 retained).
Molecular consequence: synonymous variant.
Genome position (GRCh38, 1-based): chr16:89,281,259, G>A on the plus strand (C>T on the coding strand, the complement: ANKRD11 is on the minus strand). VCF-style: chr16-89281259-G-A. GRCh37 (hg19) VCF-style: chr16-89347667-G-A.
Other names: c.5283C>T, p.Phe1761= (NM_001256182.2, NM_001256183.2).
Identifiers: ClinVar variation 2647070 (VCV002647070.25), dbSNP rs754695851, ClinGen allele CA286514392.